The following is an entry in ClinVar:

ClinVar aggregate classification (germline): Uncertain significance (1 of 4 stars; one submission).

Conditions:
Episodic ataxia type 1 (EA1). Also called: Episodic ataxia/myokymia syndrome; MYOKYMIA WITH PERIODIC ATAXIA; PAROXYSMAL ATAXIA WITH NEUROMYOTONIA, HEREDITARY; ATAXIA, EPISODIC, WITH MYOKYMIA. Identifiers: Orphanet 37612, Orphanet 972, MedGen C1719788, MONDO:0008047, OMIM 160120.

Submission:

Labcorp Genetics (formerly Invitae), Labcorp
Classification: Uncertain significance for Episodic ataxia type 1. Last evaluated: 2021-08-06. Review status: criteria provided, single submitter. Criteria: Invitae Variant Classification Sherloc (09022015). Collection method: clinical testing. Allele origin: germline.
Comment: In summary, the available evidence is currently insufficient to determine the role of this variant in disease. Therefore, it has been classified as a Variant of Uncertain Significance. Advanced modeling of protein sequence and biophysical properties (such as structural, functional, and spatial information, amino acid conservation, physicochemical variation, residue mobility, and thermodynamic stability) performed at Invitae indicates that this missense variant is expected to disrupt KCNA1 protein function. This variant has not been reported in the literature in individuals with KCNA1-related conditions. This variant is not present in population databases (ExAC no frequency). This sequence change replaces glycine with alanine at codon 374 of the KCNA1 protein (p.Gly374Ala). The glycine residue is highly conserved and there is a small physicochemical difference between glycine and alanine.

NM_000217.3(KCNA1):c.1121G>C (p.Gly374Ala)

Gene: KCNA1 (potassium voltage-gated channel subfamily A member 1; plus strand). Cytogenetic location: 12p13.32.
Variant type: single nucleotide variant.
Coding change: c.1121G>C on transcript NM_000217.3 (MANE Select); coding-DNA position 1121, G replaced by C.
Protein change: p.Gly374Ala; replaces glycine 374 with alanine.
Molecular consequence: missense variant.
Genome position (GRCh38, 1-based): chr12:4,912,499, G>C. VCF-style: chr12-4912499-G-C. GRCh37 (hg19) VCF-style: chr12-5021665-G-C.
Other names: short protein forms G374A.
Identifiers: ClinVar variation 1466672 (VCV001466672.8), dbSNP rs2137673886, ClinGen allele CA383456089.